The following is an entry in ClinVar:

NM_000489.6(ATRX):c.1880G>A (p.Cys627Tyr)

Gene: ATRX (ATRX chromatin remodeler; minus strand). Cytogenetic location: Xq21.1.
Variant type: single nucleotide variant.
Coding change: c.1880G>A on transcript NM_000489.6 (MANE Select); coding-DNA position 1880, G replaced by A.
Protein change: p.Cys627Tyr; replaces cysteine 627 with tyrosine.
Molecular consequence: missense variant.
Genome position (GRCh38, 1-based): chrX:77,683,376, C>T on the plus strand (G>A on the coding strand, the complement: ATRX is on the minus strand). VCF-style: chrX-77683376-C-T. GRCh37 (hg19) VCF-style: chrX-76938868-C-T.
Other names: c.1766G>A, p.Cys589Tyr (NM_138270.5); short protein forms C589Y, C627Y.
Identifiers: ClinVar variation 854927 (VCV000854927.28), dbSNP rs370584074, ClinGen allele CA10458149.

ClinVar aggregate classification (germline): Conflicting classifications of pathogenicity. Review status: criteria provided, conflicting classifications (1 of 4 stars). 5 submissions from 5 submitters: Uncertain significance (1); Likely benign (3). 1 of the submissions does not count toward it. Last evaluated 2025-12-11.

Conditions:
Inborn genetic diseases. Identifiers: MedGen C0950123, MeSH D030342.
Alpha thalassemia-X-linked intellectual disability syndrome (ATRX). Also called: ATR-X syndrome; Alpha thalassemia mental retardation syndrome, nondeletion type, X-linked; XLMR hypotonic face syndrome; ALPHA-THALASSEMIA/IMPAIRED INTELLECTUAL DEVELOPMENT SYNDROME, X-LINKED; ALPHA-THALASSEMIA/MENTAL RETARDATION SYNDROME, X-LINKED; ATR, NONDELETION TYPE. Identifiers: Orphanet 847, MedGen C1845055, MONDO:0010519, OMIM 301040.

Allele frequency attached by ClinVar (database versions not stated): ExAC 0.00002; TOPMed 0.00010; gnomAD exomes 0.00001 and 0.00002; gnomAD 0.00003; ESP Exome Variant Server 0.00009.

Submissions (5):

Labcorp Genetics (formerly Invitae), Labcorp
Classification: Likely benign for Alpha thalassemia-X-linked intellectual disability syndrome. Last evaluated: 2025-12-11. Review status: criteria provided, single submitter. Criteria: Invitae Variant Classification Sherloc (09022015). Collection method: clinical testing. Allele origin: germline.

CeGaT Center for Human Genetics Tuebingen
Classification: Likely benign. Last evaluated: 2025-06-01. Review status: criteria provided, single submitter. Criteria: CeGaT Center For Human Genetics Tuebingen Variant Classification Criteria Version 2. Collection method: clinical testing. Allele origin: germline. Affected: yes. Observed: 1 variant allele.
Comment: ATRX: BS2

Ambry Genetics
Classification: Uncertain significance for Inborn genetic diseases. Last evaluated: 2024-05-08. Review status: criteria provided, single submitter. Criteria: Ambry Variant Classification Scheme 2023. Collection method: clinical testing. Allele origin: germline.

GeneDx
Classification: Likely benign. Last evaluated: 2021-06-07. Review status: criteria provided, single submitter. Criteria: GeneDx Variant Classification Process June 2021. Collection method: clinical testing. Allele origin: germline. Affected: yes.

Natera, Inc.
Classification: Likely benign for X-linked alpha-thalassemia-mental retardation syndrome. Last evaluated: 2020-03-11. Review status: no assertion criteria provided. Collection method: clinical testing. Allele origin: germline. Not counted in ClinVar's aggregate classification.